The following is an entry in ClinVar:

NM_004415.4(DSP):c.897C>T (p.Ser299=)

Gene: DSP (desmoplakin; plus strand). Cytogenetic location: 6p24.3.
Variant type: single nucleotide variant.
Coding change: c.897C>T on transcript NM_004415.4 (MANE Select); coding-DNA position 897, C replaced by T.
Protein change: p.Ser299=; no amino-acid change (serine 299 retained).
Molecular consequence: synonymous variant.
Genome position (GRCh38, 1-based): chr6:7,565,478, C>T. VCF-style: chr6-7565478-C-T. GRCh37 (hg19) VCF-style: chr6-7565711-C-T.
Other names: c.897C>T, p.Ser299= (NM_001008844.3, NM_001319034.2); c.897C>T (NM_004415.3).
Identifiers: ClinVar variation 188456 (VCV000188456.17), dbSNP rs121912992, ClinGen allele CA007833.

ClinVar aggregate classification (germline): Benign/Likely benign. Review status: criteria provided, multiple submitters, no conflicts (2 of 4 stars). 6 submissions from 6 submitters: Benign (1); Likely benign (5). Last evaluated 2026-09-09.

Conditions:
DSP-related disorder. Also called: DSP-related condition; DSP-related disorders.
Cardiovascular phenotype. Identifiers: MedGen CN230736.
Arrhythmogenic cardiomyopathy with wooly hair and keratoderma. Also called: Carvajal syndrome; Dilated cardiomyopathy with woolly hair and keratoderma; PALMOPLANTAR KERATODERMA WITH LEFT VENTRICULAR CARDIOMYOPATHY AND WOOLLY HAIR; Arrhythmogenic cardiomyopathy with woolly hair and keratoderma. Identifiers: Orphanet 65282, MedGen C1854063, MONDO:0011581, OMIM 605676.
Arrhythmogenic right ventricular dysplasia 8 (ARVD8). Also called: Arrhythmogenic Right Ventricular Dysplasia/Cardiomyopathy 8; ARRHYTHMOGENIC RIGHT VENTRICULAR CARDIOMYOPATHY 8; ARRHYTHMOGENIC RIGHT VENTRICULAR DYSPLASIA, FAMILIAL, 8. Identifiers: MedGen C1843896, MONDO:0011831, OMIM 607450.
Cardiomyopathy (CMYO). Also called: Cardiomyopathies. Identifiers: Orphanet 167848, MedGen C0878544, MONDO:0004994, HP:0001638. Inheritance: Various modes of inheritance.

Allele frequency attached by ClinVar (database versions not stated): TOPMed 0.00002; gnomAD exomes 0.00005 and 0.00019; gnomAD 0.00011; ExAC 0.00014; 1000 Genomes Project 30x 0.00031; 1000 Genomes Project 0.00040.
gnomAD v4.1: 97 of 1,613,980 alleles (0.006%); highest among the groups gnomAD compares: South Asian, 0.0044%; no homozygotes.

Submissions (6):

PreventionGenetics, part of Exact Sciences
Classification: Likely benign for DSP-related condition. Last evaluated: 2026-09-09. Review status: criteria provided, single submitter. Criteria: ACMG Guidelines, 2015. Collection method: clinical testing. Allele origin: germline.
Comment: This variant is classified as likely benign based on ACMG/AMP sequence variant interpretation guidelines (Richards et al. 2015 PMID: 25741868, with internal and published modifications).

Labcorp Genetics (formerly Invitae), Labcorp
Classification: Benign for Arrhythmogenic cardiomyopathy with wooly hair and keratoderma; Arrhythmogenic right ventricular dysplasia 8. Last evaluated: 2025-02-12. Review status: criteria provided, single submitter. Criteria: Invitae Variant Classification Sherloc (09022015). Collection method: clinical testing. Allele origin: germline.

Blueprint Genetics
Classification: Likely benign. Last evaluated: 2024-09-11. Review status: criteria provided, single submitter. Criteria: ACMG Guidelines, 2015. Collection method: clinical testing. Allele origin: germline.

All of Us Research Program, National Institutes of Health
Classification: Likely benign for Arrhythmogenic cardiomyopathy with wooly hair and keratoderma. Last evaluated: 2023-11-20. Review status: criteria provided, single submitter. Criteria: ACMG Guidelines, 2015. Collection method: clinical testing. Allele origin: germline. Inheritance: Autosomal dominant inheritance. Observed: 3 variant alleles, 3 heterozygotes.
Comment: This study involves interpretation of variants in research participants for the purpose of population health screening. Participant phenotype was not available at the time of variant classification. Additional details can be found in publication PMID: 35346344, PMCID: PMC8962531

Color Diagnostics, LLC DBA Color Health
Classification: Likely benign for Cardiomyopathy. Last evaluated: 2022-11-06. Review status: criteria provided, single submitter. Criteria: ACMG Guidelines, 2015. Collection method: clinical testing. Allele origin: germline.

Ambry Genetics
Classification: Likely benign for Cardiovascular phenotype. Last evaluated: 2020-07-16. Review status: criteria provided, single submitter. Criteria: Ambry Variant Classification Scheme 2023. Collection method: clinical testing. Allele origin: germline.